The following is an entry in ClinVar:

NM_007194.4(CHEK2):c.1470C>A (p.Asp490Glu)

Gene: CHEK2 (checkpoint kinase 2; minus strand). Cytogenetic location: 22q12.1.
Variant type: single nucleotide variant.
Coding change: c.1470C>A on transcript NM_007194.4 (MANE Select); coding-DNA position 1470, C replaced by A.
Protein change: p.Asp490Glu; replaces aspartic acid 490 with glutamic acid.
Molecular consequence: missense variant.
Genome position (GRCh38, 1-based): chr22:28,689,207, G>T on the plus strand (C>A on the coding strand, the complement: CHEK2 is on the minus strand). VCF-style: chr22-28689207-G-T. GRCh37 (hg19) VCF-style: chr22-29085195-G-T.
Other names: p.D490E:GAC>GAA; c.1599C>A, p.Asp533Glu (NM_001005735.3); c.807C>A, p.Asp269Glu (NM_001257387.3); c.1269C>A, p.Asp423Glu (NM_001349956.3); c.1383C>A, p.Asp461Glu (NM_145862.3); short protein forms D490E, D423E, D533E, D269E, D461E.
Identifiers: ClinVar variation 128062 (VCV000128062.34), dbSNP rs587780178, ClinGen allele CA288286.

ClinVar aggregate classification (germline): Conflicting classifications of pathogenicity. Review status: criteria provided, conflicting classifications (1 of 4 stars). 9 submissions from 9 submitters: Uncertain significance (7); Likely benign (1). 1 of the submissions does not count toward it. Last evaluated 2025-07-22.

Conditions:
Hereditary cancer-predisposing syndrome. Also called: Hereditary neoplastic syndrome; Neoplastic Syndromes, Hereditary; Hereditary Cancer Syndrome; Tumor predisposition. Identifiers: Orphanet 140162, MedGen C0027672, MeSH D009386, MONDO:0015356.
Familial cancer of breast. Also called: Hereditary breast cancer; BREAST CANCER, FAMILIAL; hereditary breast carcinoma. Identifiers: Orphanet 227535, MedGen C0346153, MONDO:0016419, OMIM 114480. Disease mechanism: loss of function.

Allele frequency attached by ClinVar (database versions not stated): gnomAD exomes 0.00002; TOPMed 0.00002; gnomAD 0.00003 and 0.00004; ExAC 0.00001.
gnomAD v4.1: 35 of 1,578,528 alleles (0.0022%); highest among the groups gnomAD compares: Non-Finnish European, 0.0029%; no homozygotes.

Submissions (9):

Ambry Genetics
Classification: Likely benign for Hereditary cancer-predisposing syndrome. Last evaluated: 2025-07-22. Review status: criteria provided, single submitter. Criteria: Ambry Variant Classification Scheme 2023. Collection method: clinical testing. Allele origin: germline.

Center for Genomic Medicine, Rigshospitalet, Copenhagen University Hospital
Classification: Uncertain significance. Last evaluated: 2025-03-04. Review status: criteria provided, single submitter. Criteria: ACMG Guidelines, 2015. Collection method: clinical testing. Allele origin: germline.

Mayo Clinic Laboratories, Mayo Clinic
Classification: Uncertain significance. Last evaluated: 2025-02-07. Review status: criteria provided, single submitter. Criteria: ACMG Guidelines, 2015. Collection method: clinical testing. Allele origin: germline. Observed: 1 variant allele.
Comment: BS3_supporting

Labcorp Genetics (formerly Invitae), Labcorp
Classification: Uncertain significance for Familial cancer of breast. Last evaluated: 2024-11-26. Review status: criteria provided, single submitter. Criteria: Invitae Variant Classification Sherloc (09022015). Collection method: clinical testing. Allele origin: germline.
Comment: This sequence change replaces aspartic acid, which is acidic and polar, with glutamic acid, which is acidic and polar, at codon 490 of the CHEK2 protein (p.Asp490Glu). This variant is present in population databases (rs587780178, gnomAD 0.006%). This missense change has been observed in individual(s) with breast and thyroid cancer (PMID: 34326862). ClinVar contains an entry for this variant (Variation ID: 128062). An algorithm developed to predict the effect of missense changes on protein structure and function outputs the following: PolyPhen-2: "Benign". The glutamic acid amino acid residue is found in multiple mammalian species, which suggests that this missense change does not adversely affect protein function. Experimental studies have shown that this missense change does not substantially affect CHEK2 function (PMID: 30851065). In summary, the available evidence is currently insufficient to determine the role of this variant in disease. Therefore, it has been classified as a Variant of Uncertain Significance.

Color Diagnostics, LLC DBA Color Health
Classification: Uncertain significance for Hereditary cancer-predisposing syndrome. Last evaluated: 2024-04-15. Review status: criteria provided, single submitter. Criteria: ACMG Guidelines, 2015. Collection method: clinical testing. Allele origin: germline.
Comment: This missense variant replaces aspartic acid with glutamic acid at codon 490 of the CHEK2 protein. Computational prediction suggests that this variant may not impact protein structure and function. A functional study in yeast reported this variant as benign in a yeast based DNA damage response assay (PMID: 30851065) and a human cell complementation assay showed no impact on KAP1 phosphorylation or CHEK2 autophosphorylation (PMID: 37449874). This variant has been reported in individuals affected with breast and/or thyroid cancer (PMID: 25186627, 34326862). In two large breast cancer case-control meta-analyses, this variant was reported in 3/60466 cases and 2/53461 unaffected controls (PMID: 33471991; Leiden Open Variation Database DB-ID CHEK2_000045), and 5/73048 cases and 2/88658 controls (PMID: 37449874). This variant has been identified in 6/264922 chromosomes in the general population by the Genome Aggregation Database (gnomAD). The available evidence is insufficient to determine the role of this variant in disease conclusively. Therefore, this variant is classified as a Variant of Uncertain Significance.

GeneDx
Classification: Uncertain significance. Last evaluated: 2024-02-13. Review status: criteria provided, single submitter. Criteria: GeneDx Variant Classification Process June 2021. Collection method: clinical testing. Allele origin: germline. Affected: yes.
Comment: Not observed at significant frequency in large population cohorts (gnomAD); Published functional studies demonstrate no damaging effect: no effect on cell growth after DNA damage in yeast (PMID: 30851065); In silico analysis supports that this missense variant does not alter protein structure/function; Identified in individuals with personal and/or family history of CHEK2-related cancers and also in unaffected controls (PMID: 33193653, 33471991, 32546565, 34326862, 25186627); This variant is associated with the following publications: (PMID: 25957691, 33471991, 32546565, 28569743, 34326862, 33193653, 25186627, 30851065, 22419737, 19782031)

Baylor Genetics
Classification: Uncertain significance for Familial cancer of breast. Last evaluated: 2024-01-22. Review status: criteria provided, single submitter. Criteria: ACMG Guidelines, 2015. Collection method: clinical testing. Allele origin: unknown.

Sema4
Classification: Uncertain significance for Hereditary cancer-predisposing syndrome. Last evaluated: 2022-02-05. Review status: criteria provided, single submitter. Criteria: Sema4 Curation Guidelines. Collection method: curation. Allele origin: germline.
Comment: The CHEK2 c.1470C>A (p.D490E) variant has been reported in heterozygosity in at least three individuals with breast cancer (PMID: 33471991) as well as in healthy controls (PMID: 33471991, 32546565). A yeast-based functional study demonstrated normal cell growth in response to DNA damage (PMID: 30851065). It was observed in 6/124034 chromosomes of the Non-Finnish European subpopulation in the large and broad cohorts of the Genome Aggregation Database (PMID: 32461654). The variant has been reported in ClinVar (Variation ID 128062). In silico tools suggest the impact of the variant on protein function is benign, though these predictions have not been confirmed by functional studies. There is no indication that this variant causes disease, but the evidence is insufficient currently to prove that conclusively. Thus, the clinical significance of this variant is currently uncertain.

Zotz-Klimas Genetics Lab, MVZ Zotz Klimas
Classification: Uncertain significance for Familial cancer of breast. Last evaluated: 2023-11-02. Review status: no assertion criteria provided. Collection method: clinical testing. Allele origin: germline. Affected: yes. Not counted in ClinVar's aggregate classification.

Literature cited by the submitters: PubMed 25186627 (cited by Ambry Genetics and Color Diagnostics, LLC DBA Color Health); PubMed 30851065 (cited by 5 submitters); PubMed 33193653 (cited by Ambry Genetics and Mayo Clinic Laboratories, Mayo Clinic); PubMed 37449874 (cited by Ambry Genetics and Color Diagnostics, LLC DBA Color Health); PubMed 32546565 (cited by Mayo Clinic Laboratories, Mayo Clinic and Sema4); PubMed 34326862 (cited by 3 submitters); PubMed 33471991 (cited by Color Diagnostics, LLC DBA Color Health and Sema4).